The following is an entry in ClinVar:

NM_004606.5(TAF1):c.5438C>T (p.Thr1813Ile)

Gene: TAF1 (TATA-box binding protein associated factor 1; plus strand). Cytogenetic location: Xq13.1.
Variant type: single nucleotide variant.
Coding change: c.5438C>T on transcript NM_004606.5 (MANE Select); coding-DNA position 5438, C replaced by T.
Protein change: p.Thr1813Ile; replaces threonine 1813 with isoleucine.
Molecular consequence: missense variant.
Genome position (GRCh38, 1-based): chrX:71,463,862, C>T. VCF-style: chrX-71463862-C-T. GRCh37 (hg19) VCF-style: chrX-70683712-C-T.
Other names: c.5498C>T (NM_004606.4); c.5444C>T, p.Thr1815Ile (NM_001286074.2); c.5375C>T, p.Thr1792Ile (NM_138923.4); short protein forms T1815I, T1813I, T1792I.
Identifiers: ClinVar variation 2045240 (VCV002045240.7), dbSNP rs1406354590, ClinGen allele CA413531675.
Genomic context (GRCh38, chrX:71,463,862, plus strand): 5'-GATGACATGTTTCTCTTCTCAGTTATGGGAGCTATGAGGAGCCTGATCCCAAGTCGAACA[C>T]CCAAGACACAAGCTTCAGCAGCATCGGTGGGTATGAGGTATCAGAGGAGGAAGAAGATGA-3'
Protein context (NP_004597.3, residues 1803-1823): SYEEPDPKSN[Thr1813Ile]QDTSFSSIGG

ClinVar aggregate classification (germline): Uncertain significance. Review status: criteria provided, multiple submitters, no conflicts (2 of 4 stars). 2 submissions from 2 submitters: Uncertain significance (2). Last evaluated 2022-08-07.

Allele frequency attached by ClinVar (database versions not stated): gnomAD exomes 0.00001; TOPMed below 0.00001.
gnomAD v4.1: 3 of 1,210,930 alleles (0.00025%); highest among the groups gnomAD compares: Admixed American, 0.0065%; no homozygotes.

Submissions (2):

Labcorp Genetics (formerly Invitae), Labcorp
Classification: Uncertain significance. Last evaluated: 2022-08-07. Review status: criteria provided, single submitter. Criteria: Invitae Variant Classification Sherloc (09022015). Collection method: clinical testing. Allele origin: germline.
Comment: This sequence change replaces threonine, which is neutral and polar, with isoleucine, which is neutral and non-polar, at codon 1833 of the TAF1 protein (p.Thr1833Ile). This variant is present in population databases (no rsID available, gnomAD 0.01%), including at least one homozygous and/or hemizygous individual. This variant has not been reported in the literature in individuals affected with TAF1-related conditions. Algorithms developed to predict the effect of missense changes on protein structure and function (SIFT, PolyPhen-2, Align-GVGD) all suggest that this variant is likely to be tolerated. In summary, the available evidence is currently insufficient to determine the role of this variant in disease. Therefore, it has been classified as a Variant of Uncertain Significance.

Revvity Omics, Revvity
Classification: Uncertain significance. Last evaluated: 2021-09-21. Review status: criteria provided, single submitter. Criteria: ACMG Guidelines, 2015. Collection method: clinical testing. Allele origin: germline.